The following is an entry in ClinVar:

ClinVar aggregate classification (germline): Benign. Review status: criteria provided, multiple submitters, no conflicts (2 of 4 stars). 2 submissions from 2 submitters: Benign (2). Last evaluated 2018-06-16.

Allele frequency attached by ClinVar (database versions not stated): TOPMed 0.79391; gnomAD 0.79564; 1000 Genomes Project 30x 0.85353; 1000 Genomes Project 0.85883.
gnomAD v4.1: 779,537 of 1,000,154 alleles (78%); highest among the groups gnomAD compares: East Asian, 95%; 305,500 homozygotes.

Submissions (2):

GeneDx
Classification: Benign. Last evaluated: 2018-06-16. Review status: criteria provided, single submitter. Criteria: GeneDx Variant Classification (06012015). Collection method: clinical testing. Allele origin: germline. Affected: yes.
Comment: This variant is considered likely benign or benign based on one or more of the following criteria: it is a conservative change, it occurs at a poorly conserved position in the protein, it is predicted to be benign by multiple in silico algorithms, and/or has population frequency not consistent with disease.

Breakthrough Genomics
Classification: Benign. Review status: criteria provided, single submitter. Criteria: ACMG Guidelines, 2015. Collection method: not provided. Allele origin: germline. Inheritance: Autosomal dominant inheritance. Affected: yes.

NM_017780.4(CHD7):c.1666-147C>A

Genes: CHD7 (chromodomain helicase DNA binding protein 7; plus strand), LOC126860403 (CDK7 strongly-dependent group 2 enhancer GRCh37_chr8:61693034-61694233; plus strand). Cytogenetic location: 8q12.2.
Variant type: single nucleotide variant.
Coding change: c.1666-147C>A on transcript NM_017780.4 (MANE Select); 147 bases into the intron before coding-DNA position 1666, C replaced by A.
Molecular consequence: intron variant.
Genome position (GRCh38, 1-based): chr8:60,780,853, C>A. VCF-style: chr8-60780853-C-A. GRCh37 (hg19) VCF-style: chr8-61693412-C-A.
Other names: c.1666-147C>A (NM_001316690.1).
Identifiers: ClinVar variation 676809 (VCV000676809.2), dbSNP rs6471901, ClinGen allele CA177334692.